The following is an entry in ClinVar:

ClinVar aggregate classification (germline): Uncertain significance (1 of 4 stars; one submission).

gnomAD v4.1: 12 of 1,210,009 alleles (0.00099%); highest among the groups gnomAD compares: Non-Finnish European, 0.0013%; no homozygotes.

Submission:

GeneDx
Classification: Uncertain significance. Last evaluated: 2026-02-27. Review status: criteria provided, single submitter. Criteria: GeneDx Variant Classification Process June 2021. Collection method: clinical testing. Allele origin: germline.
Comment: Not observed at significant frequency in large population cohorts (gnomAD); Missense variants in this gene are a common cause of disease and they are underrepresented in the general population; In silico analysis suggests that this missense variant does not alter protein structure/function; Has not been previously published as pathogenic or benign to our knowledge

NM_001399.5(EDA):c.432G>T (p.Lys144Asn)

Gene: EDA (ectodysplasin A; plus strand). Cytogenetic location: Xq13.1.
Variant type: single nucleotide variant.
Coding change: c.432G>T on transcript NM_001399.5 (MANE Select); coding-DNA position 432, G replaced by T.
Protein change: p.Lys144Asn; replaces lysine 144 with asparagine.
Molecular consequence: missense variant.
Genome position (GRCh38, 1-based): chrX:69,957,062, G>T. VCF-style: chrX-69957062-G-T. GRCh37 (hg19) VCF-style: chrX-69176912-G-T.
Other names: c.432G>T, p.Lys144Asn (NM_001005609.2, NM_001005612.3, NM_001440761.1 and 1 more transcripts); short protein forms K144N.
Identifiers: ClinVar variation 5009920 (VCV005009920.1).